The following is an entry in ClinVar:

ClinVar aggregate classification (germline): Likely benign. Review status: criteria provided, single submitter (1 of 4 stars). 2 submissions from 2 submitters: Likely benign (1). 1 of the submissions does not count toward it. Last evaluated 2023-02-18.

Conditions:
BBS9-related disorder. Also called: BBS9-related condition.
Bardet-Biedl syndrome (BBS). Identifiers: Orphanet 110, MedGen C0752166, MONDO:0015229.

Submissions (2):

Labcorp Genetics (formerly Invitae), Labcorp
Classification: Likely benign for Bardet-Biedl syndrome. Last evaluated: 2023-02-18. Review status: criteria provided, single submitter. Criteria: Invitae Variant Classification Sherloc (09022015). Collection method: clinical testing. Allele origin: germline.

PreventionGenetics, part of Exact Sciences
Classification: Likely benign for BBS9-related condition. Last evaluated: 2021-05-12. Review status: no assertion criteria provided. Collection method: clinical testing. Allele origin: germline. Not counted in ClinVar's aggregate classification.
Comment: This variant is classified as likely benign based on ACMG/AMP sequence variant interpretation guidelines (Richards et al. 2015 PMID: 25741868, with internal and published modifications).

NM_198428.3(BBS9):c.1537+9A>G

Gene: BBS9 (Bardet-Biedl syndrome 9; plus strand). Cytogenetic location: 7p14.3.
Variant type: single nucleotide variant.
Coding change: c.1537+9A>G on transcript NM_198428.3 (MANE Select); 9 bases into the intron after coding-DNA position 1537, A replaced by G.
Molecular consequence: intron variant.
Genome position (GRCh38, 1-based): chr7:33,351,332, A>G. VCF-style: chr7-33351332-A-G. GRCh37 (hg19) VCF-style: chr7-33390944-A-G.
Other names: c.1537+9A>G (NM_198428.2, NM_001348036.1, NM_001362679.1 and 3 more transcripts); c.1264+9A>G (NM_001348038.3); c.1160-1527A>G (NM_001348039.3); c.1433-1527A>G (NM_001033604.2); c.1432+2162A>G (NM_014451.4, NM_001348040.3); c.1171+9A>G (NM_001348037.3, NM_001348045.3, NM_001348046.3); c.1402+9A>G (NM_001348042.3); c.1067-1527A>G (NM_001348044.3).
Identifiers: ClinVar variation 1126107 (VCV001126107.10), dbSNP rs2128667783, ClinGen allele CA2499218878.